The following is an entry in ClinVar:

ClinVar aggregate classification (germline): Uncertain significance (1 of 4 stars; one submission).

Submission:

CeGaT Center for Human Genetics Tuebingen
Classification: Uncertain significance. Last evaluated: 2024-05-01. Review status: criteria provided, single submitter. Criteria: CeGaT Center For Human Genetics Tuebingen Variant Classification Criteria Version 2. Collection method: clinical testing. Allele origin: germline. Affected: yes. Observed: 1 variant allele.
Comment: SPTBN2: PM2, PM5:Supporting

NM_006946.4(SPTBN2):c.183A>C (p.Lys61Asn)

Gene: SPTBN2 (spectrin beta, non-erythrocytic 2; minus strand). Cytogenetic location: 11q13.2.
Variant type: single nucleotide variant.
Coding change: c.183A>C on transcript NM_006946.4 (MANE Select); coding-DNA position 183, A replaced by C.
Protein change: p.Lys61Asn; replaces lysine 61 with asparagine.
Molecular consequence: missense variant.
Genome position (GRCh38, 1-based): chr11:66,715,956, T>G on the plus strand (A>C on the coding strand, the complement: SPTBN2 is on the minus strand). VCF-style: chr11-66715956-T-G. GRCh37 (hg19) VCF-style: chr11-66483427-T-G.
Other names: c.204A>C, p.Lys68Asn (NM_001411025.1); short protein forms K61N, K68N.
Identifiers: ClinVar variation 3239448 (VCV003239448.19), dbSNP rs2496577708.